The following is an entry in ClinVar:

NM_006702.5(PNPLA6):c.-214C>T

Gene: PNPLA6 (patatin like domain 6, lysophospholipase; plus strand). Cytogenetic location: 19p13.2.
Variant type: single nucleotide variant.
Coding change: c.-214C>T on transcript NM_006702.5; 214 bases upstream of the start codon, C replaced by T.
Molecular consequence: 5 prime UTR variant.
Genome position (GRCh38, 1-based): chr19:7,534,221, C>T. VCF-style: chr19-7534221-C-T. GRCh37 (hg19) VCF-style: chr19-7599107-C-T.
Identifiers: ClinVar variation 369303 (VCV000369303.10), dbSNP rs141371215, ClinGen allele CA10654602.
Genomic context (GRCh38, chr19:7,534,221, plus strand): 5'-TTTAAAGGGGCCGTGCCTGCGGAGCCGGGCGGAACGCTAGCGGTGTTGGCGCGGAGTGGA[C>T]CCCGGCTGCGGCCCCTGGGTGAGTCTGGGTTTCCGTTAGCCTCGCAGGGGTGTCCCTTCG-3'

ClinVar aggregate classification (germline): Benign/Likely benign. Review status: criteria provided, multiple submitters, no conflicts (2 of 4 stars). 3 submissions from 3 submitters: Benign (2); Likely benign (1). Last evaluated 2018-05-17.

Conditions:
Hereditary spastic paraplegia 39 (SPG39). Also called: Spastic Paraplegia Type 39 (SPG39); SPASTIC PARAPLEGIA 39, AUTOSOMAL RECESSIVE. Identifiers: Orphanet 139480, MedGen C2677586, MONDO:0012787, OMIM 612020.

Allele frequency attached by ClinVar (database versions not stated): gnomAD exomes 0.00152; 1000 Genomes Project 0.01438; gnomAD 0.01480 and 0.01588; 1000 Genomes Project 30x 0.01499; TOPMed 0.01625.
gnomAD v4.1: 2,492 of 328,042 alleles (0.76%); highest among the groups gnomAD compares: African/African-American, 5%; 58 homozygotes.

Submissions (3):

GeneDx
Classification: Benign. Last evaluated: 2018-05-17. Review status: criteria provided, single submitter. Criteria: GeneDx Variant Classification (06012015). Collection method: clinical testing. Allele origin: germline. Affected: yes.
Comment: This variant is considered likely benign or benign based on one or more of the following criteria: it is a conservative change, it occurs at a poorly conserved position in the protein, it is predicted to be benign by multiple in silico algorithms, and/or has population frequency not consistent with disease.

Illumina Laboratory Services, Illumina
Classification: Benign for Hereditary spastic paraplegia 39. Last evaluated: 2018-01-12. Review status: criteria provided, single submitter. Criteria: ICSL Variant Classification Criteria 13 December 2019. Collection method: clinical testing. Allele origin: germline.
Comment: This variant was observed in the ICSL laboratory as part of a predisposition screen in an ostensibly healthy population. It had not been previously curated by ICSL or reported in the Human Gene Mutation Database (HGMD: prior to June 1st, 2018), and was therefore a candidate for classification through an automated scoring system. Utilizing variant allele frequency, disease prevalence and penetrance estimates, and inheritance mode, an automated score was calculated to assess if this variant is too frequent to cause the disease. Based on the score and internal cut-off values, a variant classified as benign is not then subjected to further curation. The score for this variant resulted in a classification of benign for this disease.

Breakthrough Genomics
Classification: Likely benign. Review status: criteria provided, single submitter. Criteria: ACMG Guidelines, 2015. Collection method: not provided. Allele origin: germline. Inheritance: Autosomal recessive inheritance. Affected: yes.